The following is an entry in ClinVar:

ClinVar aggregate classification (germline): Uncertain significance. Review status: criteria provided, multiple submitters, no conflicts (2 of 4 stars). 2 submissions from 2 submitters: Uncertain significance (2). Last evaluated 2024-11-05.

Conditions:
CHARGE syndrome (CHARGE). Also called: Coloboma, heart anomaly, choanal atresia, retardation, genital and ear anomalies; CHARGE association; Hall-Hittner syndrome; Hittner Hirsch Kreh syndrome; CHARGE ASSOCIATION--COLOBOMA, HEART ANOMALY, CHOANAL ATRESIA, RETARDATION, GENITAL AND EAR ANOMALIES. Identifiers: Orphanet 138, MedGen C0265354, MONDO:0008965.

Allele frequency attached by ClinVar (database versions not stated): TOPMed below 0.00001.
gnomAD v4.1: 4 of 1,574,388 alleles (0.00025%); highest among the groups gnomAD compares: Middle Eastern, 0.017%; no homozygotes.

Submissions (2):

Labcorp Genetics (formerly Invitae), Labcorp
Classification: Uncertain significance for CHARGE syndrome. Last evaluated: 2024-11-05. Review status: criteria provided, single submitter. Criteria: Invitae Variant Classification Sherloc (09022015). Collection method: clinical testing. Allele origin: germline.
Comment: This sequence change replaces glycine, which is neutral and non-polar, with valine, which is neutral and non-polar, at codon 799 of the CHD7 protein (p.Gly799Val). The frequency data for this variant in the population databases is considered unreliable, as metrics indicate poor data quality at this position in the gnomAD database. This variant has not been reported in the literature in individuals affected with CHD7-related conditions. ClinVar contains an entry for this variant (Variation ID: 1486468). Invitae Evidence Modeling of protein sequence and biophysical properties (such as structural, functional, and spatial information, amino acid conservation, physicochemical variation, residue mobility, and thermodynamic stability) indicates that this missense variant is not expected to disrupt CHD7 protein function with a negative predictive value of 80%. In summary, the available evidence is currently insufficient to determine the role of this variant in disease. Therefore, it has been classified as a Variant of Uncertain Significance.

Breakthrough Genomics
Classification: Uncertain significance. Review status: criteria provided, single submitter. Criteria: ACMG Guidelines, 2015. Collection method: not provided. Allele origin: germline. Inheritance: Autosomal recessive inheritance. Affected: yes.

NM_017780.4(CHD7):c.2396G>T (p.Gly799Val)

Gene: CHD7 (chromodomain helicase DNA binding protein 7; plus strand). Cytogenetic location: 8q12.2.
Variant type: single nucleotide variant.
Coding change: c.2396G>T on transcript NM_017780.4 (MANE Select); coding-DNA position 2396, G replaced by T.
Protein change: p.Gly799Val; replaces glycine 799 with valine.
Molecular consequence: missense variant. On other transcripts: intron variant (1).
Genome position (GRCh38, 1-based): chr8:60,801,547, G>T. VCF-style: chr8-60801547-G-T. GRCh37 (hg19) VCF-style: chr8-61714106-G-T.
Other names: c.1716+20497G>T (NM_001316690.1); short protein forms G799V.
Identifiers: ClinVar variation 1486468 (VCV001486468.7), dbSNP rs1167408520, ClinGen allele CA371301326.
Genomic context (GRCh38, chr8:60,801,547, plus strand): 5'-ATGTTTTCTATTTGGATTGATGCACATGCCTTTTTTTTTAGGAATCTGTTGATGCAGAAG[G>T]CCCAGTGGTAGAAAAAATTATGAGCAGTCGTTCAGTAAAAAAGCAGGTGAGTGCCATTGG-3'
Protein context (NP_060250.2, residues 789-809): SEQQESVDAE[Gly799Val]PVVEKIMSSR